The following is an entry in ClinVar:

ClinVar aggregate classification (germline): Uncertain significance (1 of 4 stars; one submission).

Conditions:
Spastic paraplegia. Identifiers: MedGen C0037772, HP:0001258.

Submission:

Labcorp Genetics (formerly Invitae), Labcorp
Classification: Uncertain significance for Spastic paraplegia. Last evaluated: 2022-07-23. Review status: criteria provided, single submitter. Criteria: Invitae Variant Classification Sherloc (09022015). Collection method: clinical testing. Allele origin: germline.
Comment: In summary, the available evidence is currently insufficient to determine the role of this variant in disease. Therefore, it has been classified as a Variant of Uncertain Significance. Advanced modeling of protein sequence and biophysical properties (such as structural, functional, and spatial information, amino acid conservation, physicochemical variation, residue mobility, and thermodynamic stability) performed at Invitae indicates that this missense variant is not expected to disrupt KIF5A protein function. This variant has not been reported in the literature in individuals affected with KIF5A-related conditions. This variant is not present in population databases (gnomAD no frequency). This sequence change replaces lysine, which is basic and polar, with asparagine, which is neutral and polar, at codon 670 of the KIF5A protein (p.Lys670Asn).

NM_004984.4(KIF5A):c.2010G>C (p.Lys670Asn)

Gene: KIF5A (kinesin family member 5A; plus strand). Cytogenetic location: 12q13.3.
Variant type: single nucleotide variant.
Coding change: c.2010G>C on transcript NM_004984.4 (MANE Select); coding-DNA position 2010, G replaced by C.
Protein change: p.Lys670Asn; replaces lysine 670 with asparagine.
Molecular consequence: missense variant.
Genome position (GRCh38, 1-based): chr12:57,575,744, G>C. VCF-style: chr12-57575744-G-C. GRCh37 (hg19) VCF-style: chr12-57969527-G-C.
Other names: c.1743G>C, p.Lys581Asn (NM_001354705.2); short protein forms K581N, K670N.
Identifiers: ClinVar variation 2012157 (VCV002012157.4), dbSNP rs747257366, ClinGen allele CA385510755.